The following is an entry in ClinVar:

ClinVar aggregate classification (germline): Pathogenic (1 of 4 stars; one submission).

Conditions:
Spastic paraplegia. Identifiers: MedGen C0037772, HP:0001258.

Allele frequency attached by ClinVar (database versions not stated): gnomAD exomes below 0.00001; gnomAD 0.00001.

Submission:

Labcorp Genetics (formerly Invitae), Labcorp
Classification: Pathogenic for Spastic paraplegia. Last evaluated: 2023-10-13. Review status: criteria provided, single submitter. Criteria: Invitae Variant Classification Sherloc (09022015). Collection method: clinical testing. Allele origin: germline.
Comment: This sequence change creates a premature translational stop signal (p.Gln701*) in the GBA2 gene. It is expected to result in an absent or disrupted protein product. Loss-of-function variants in GBA2 are known to be pathogenic (PMID: 23332916, 23332917). This variant is present in population databases (no rsID available, gnomAD 0.007%). This variant has not been reported in the literature in individuals affected with GBA2-related conditions. ClinVar contains an entry for this variant (Variation ID: 652834). Algorithms developed to predict the effect of sequence changes on RNA splicing suggest that this variant may disrupt the consensus splice site. For these reasons, this variant has been classified as Pathogenic.

Literature cited by the submitters: PubMed 23332916; PubMed 23332917.

NM_020944.3(GBA2):c.2101C>T (p.Gln701Ter)

Gene: GBA2 (glucosylceramidase beta 2; minus strand). Cytogenetic location: 9p13.3.
Variant type: single nucleotide variant.
Coding change: c.2101C>T on transcript NM_020944.3 (MANE Select); coding-DNA position 2101, C replaced by T.
Protein change: p.Gln701Ter; replaces glutamine 701 with a stop codon.
Molecular consequence: nonsense.
Genome position (GRCh38, 1-based): chr9:35,738,328, G>A on the plus strand (C>T on the coding strand, the complement: GBA2 is on the minus strand). VCF-style: chr9-35738328-G-A. GRCh37 (hg19) VCF-style: chr9-35738325-G-A.
Other names: c.2101C>T, p.Gln701Ter (NM_001330660.2); short protein forms Q701*.
Identifiers: ClinVar variation 652834 (VCV000652834.6), dbSNP rs1011987148, ClinGen allele CA192758919.
Genomic context (GRCh38, chr9:35,738,328, plus strand): 5'-GGCTGAGGATAGAAGAAAACTTATCCTGGATGTCCTGTGCCCCACACAGAGCAGCCATCT[G>A]GACCATCACAGCCACAGCTGCCAGCCACAGCCCTCCACAGTAAGCACTGATCAGGGACAT-3'